The following is an entry in ClinVar:

NM_003072.5(SMARCA4):c.1944-18C>T

Gene: SMARCA4 (SWI/SNF related BAF chromatin remodeling complex subunit ATPase 4; plus strand). Cytogenetic location: 19p13.2.
Variant type: single nucleotide variant.
Coding change: c.1944-18C>T on transcript NM_003072.5 (MANE Select); 18 bases into the intron before coding-DNA position 1944, C replaced by T.
Molecular consequence: intron variant.
Genome position (GRCh38, 1-based): chr19:11,003,322, C>T. VCF-style: chr19-11003322-C-T. GRCh37 (hg19) VCF-style: chr19-11113998-C-T.
Other names: c.1944-18C>T (NM_001128844.3, NM_001128849.3, NM_001128847.4 and 6 more transcripts).
Identifiers: ClinVar variation 4805152 (VCV004805152.2).

ClinVar aggregate classification (germline): Likely benign. Review status: criteria provided, multiple submitters, no conflicts (2 of 4 stars). 2 submissions from 2 submitters: Likely benign (2). Last evaluated 2026-07-07.

Conditions:
Rhabdoid tumor predisposition syndrome 2 (RTPS2). Identifiers: Orphanet 231108, Orphanet 69077, MedGen C2750074, MONDO:0013224, OMIM 613325.

Submissions (2):

Myriad Genetics, Inc.
Classification: Likely benign for Rhabdoid tumor predisposition syndrome 2. Last evaluated: 2026-07-07. Review status: criteria provided, single submitter. Criteria: Myriad Autosomal Dominant, Autosomal Recessive and X-Linked Classification Criteria (2023). Collection method: clinical testing. Allele origin: unknown.
Comment: This variant is considered likely benign. This variant is intronic and is not expected to impact mRNA splicing.

Labcorp Genetics (formerly Invitae), Labcorp
Classification: Likely benign for Rhabdoid tumor predisposition syndrome 2. Last evaluated: 2025-05-04. Review status: criteria provided, single submitter. Criteria: Invitae Variant Classification Sherloc (09022015). Collection method: clinical testing. Allele origin: germline.